The following is an entry in ClinVar:

ClinVar aggregate classification (germline): Uncertain significance. Review status: criteria provided, multiple submitters, no conflicts (2 of 4 stars). 2 submissions from 2 submitters: Uncertain significance (2). Last evaluated 2025-03-26.

Conditions:
Inborn genetic diseases. Identifiers: MedGen C0950123, MeSH D030342.
Early-infantile DEE. Also called: Early infantile epileptic encephalopathy; Ohtahara syndrome; Early infantile epileptic encephalopathy with suppression bursts. Identifiers: Orphanet 1934, MedGen C0393706, MONDO:0800491.

Allele frequency attached by ClinVar (database versions not stated): gnomAD exomes below 0.00001.
gnomAD v4.1: 3 of 1,614,060 alleles (0.00019%); highest among the groups gnomAD compares: Non-Finnish European, 0.00025%; no homozygotes.

Submissions (2):

Ambry Genetics
Classification: Uncertain significance for Inborn genetic diseases. Last evaluated: 2025-03-26. Review status: criteria provided, single submitter. Criteria: Ambry Variant Classification Scheme 2023. Collection method: clinical testing. Allele origin: germline.

Labcorp Genetics (formerly Invitae), Labcorp
Classification: Uncertain significance for Early-infantile DEE. Last evaluated: 2023-04-24. Review status: criteria provided, single submitter. Criteria: Invitae Variant Classification Sherloc (09022015). Collection method: clinical testing. Allele origin: germline.
Comment: In summary, the available evidence is currently insufficient to determine the role of this variant in disease. Therefore, it has been classified as a Variant of Uncertain Significance. Advanced modeling of protein sequence and biophysical properties (such as structural, functional, and spatial information, amino acid conservation, physicochemical variation, residue mobility, and thermodynamic stability) has been performed at Invitae for this missense variant, however the output from this modeling did not meet the statistical confidence thresholds required to predict the impact of this variant on SPTAN1 protein function. This sequence change replaces histidine, which is basic and polar, with arginine, which is basic and polar, at codon 1410 of the SPTAN1 protein (p.His1410Arg). This variant is not present in population databases (gnomAD no frequency). This variant has not been reported in the literature in individuals affected with SPTAN1-related conditions. ClinVar contains an entry for this variant (Variation ID: 2117660).

NM_001130438.3(SPTAN1):c.4229A>G (p.His1410Arg)

Gene: SPTAN1 (spectrin alpha, non-erythrocytic 1; plus strand). Cytogenetic location: 9q34.11.
Variant type: single nucleotide variant.
Coding change: c.4229A>G on transcript NM_001130438.3 (MANE Select); coding-DNA position 4229, A replaced by G.
Protein change: p.His1410Arg; replaces histidine 1410 with arginine.
Molecular consequence: missense variant.
Genome position (GRCh38, 1-based): chr9:128,607,934, A>G. VCF-style: chr9-128607934-A-G. GRCh37 (hg19) VCF-style: chr9-131370213-A-G.
Other names: c.4229A>G (NM_001130438.2); c.4229A>G, p.His1410Arg (NM_001375310.1, NM_001375311.2, NM_001375313.1 and 2 more transcripts); c.4265A>G, p.His1422Arg (NM_001375312.2, NM_001375318.1); c.4169A>G, p.His1390Arg (NM_001375314.2, NM_001195532.2, NM_001363765.2); short protein forms H1410R, H1422R, H1390R.
Identifiers: ClinVar variation 2117660 (VCV002117660.5), dbSNP rs2541750734, ClinGen allele CA375066516.